The following is an entry in ClinVar:

ClinVar aggregate classification (germline): Likely pathogenic (1 of 4 stars; one submission).

Conditions:
Generalized epilepsy with febrile seizures plus, type 2 (GEFSP2). Also called: GEFS+, TYPE 2. Identifiers: Orphanet 36387, MedGen C1858673, MONDO:0011461, OMIM 604403.

Submission:

Victorian Clinical Genetics Services, Murdoch Childrens Research Institute
Classification: Likely pathogenic for Generalized epilepsy with febrile seizures plus, type 2. Last evaluated: 2022-09-02. Review status: criteria provided, single submitter. Criteria: ACMG Guidelines, 2015. Collection method: clinical testing. Allele origin: germline. Inheritance: Autosomal dominant inheritance. Affected: yes.
Comment: Based on the classification scheme VCGS_Germline_v1.3.4, this variant is classified as Likely pathogenic. Following criteria are met: 0103 - Loss of function and gain of function are known mechanisms of disease in this gene and are associated with SCN1A-related epilepsy (PMID: 28488083). (I) 0107 - This gene is associated with autosomal dominant disease. (I) 0200 - Variant is predicted to result in a missense amino acid change from glutamic acid to glutamine. (I) 0251 - This variant is heterozygous. (I) 0301 - Variant is absent from gnomAD (both v2 and v3). (SP) 0502 - Missense variant with conflicting in silico predictions and uninformative conservation. (I) 0600 - Variant is located in the annotated ion transport domain (DECIPHER). (I) 0703 - Another missense variant comparable to the one identified in this case has moderate previous evidence for pathogenicity. The p.(Glu1623Ala) variant has been identified in individuals with epilepsy, a de novo case with Dravet syndrome and three affected individuals from the same family who had epilepsy with febrile seizures (PMID:35082603). (SP) 0807 - This variant has no previous evidence of pathogenicity. (I) 0905 - No published segregation evidence has been identified for this variant. (I) Legend: (SP) - Supporting pathogenic, (I) - Information, (SB) - Supporting benign

Literature cited by the submitters: PubMed 28488083; PubMed 35082603.

NM_001165963.4(SCN1A):c.4867G>C (p.Glu1623Gln)

Genes: SCN1A (sodium voltage-gated channel alpha subunit 1; minus strand), LOC102724058 (uncharacterized LOC102724058; plus strand). Cytogenetic location: 2q24.3.
Variant type: single nucleotide variant.
Coding change: c.4867G>C on transcript NM_001165963.4 (MANE Select); coding-DNA position 4867, G replaced by C.
Protein change: p.Glu1623Gln; replaces glutamic acid 1623 with glutamine.
Molecular consequence: missense variant. On other transcripts: non-coding transcript variant (1).
Genome position (GRCh38, 1-based): chr2:165,992,408, C>G on the plus strand (G>C on the coding strand, the complement: SCN1A is on the minus strand). VCF-style: chr2-165992408-C-G. GRCh37 (hg19) VCF-style: chr2-166848918-C-G.
Other names: c.4783G>C, p.Glu1595Gln (NM_001165964.3, NM_001353957.2, NM_001353958.2); c.4867G>C, p.Glu1623Gln (NM_001202435.3, NM_001353948.2); c.4834G>C, p.Glu1612Gln (NM_001353949.2, NM_001353950.2, NM_001353951.2 and 2 more transcripts); c.4831G>C, p.Glu1611Gln (NM_001353954.2, NM_001353955.2); c.4780G>C, p.Glu1594Gln (NM_001353960.2); c.2425G>C, p.Glu809Gln (NM_001353961.2); short protein forms E1594Q, E1595Q, E1611Q, E1612Q, E1623Q, E809Q.
Identifiers: ClinVar variation 1805921 (VCV001805921.2), dbSNP rs1553520516, ClinGen allele CA349070694.